The following is an entry in ClinVar:

NM_025207.5(FLAD1):c.157A>T (p.Thr53Ser)

Gene: FLAD1 (flavin adenine dinucleotide synthetase 1; plus strand). Cytogenetic location: 1q21.3.
Variant type: single nucleotide variant.
Coding change: c.157A>T on transcript NM_025207.5 (MANE Select); coding-DNA position 157, A replaced by T.
Protein change: p.Thr53Ser; replaces threonine 53 with serine.
Molecular consequence: missense variant. On other transcripts: 5 prime UTR variant (3).
Genome position (GRCh38, 1-based): chr1:154,983,851, A>T. VCF-style: chr1-154983851-A-T. GRCh37 (hg19) VCF-style: chr1-154956327-A-T.
Other names: c.-135A>T (NM_001184891.2, NM_201398.3); c.-780A>T (NM_001184892.2); short protein forms T53S.
Identifiers: ClinVar variation 1937702 (VCV001937702.2), dbSNP rs768686282, ClinGen allele CA1134239.

ClinVar aggregate classification (germline): Uncertain significance (1 of 4 stars; one submission).

Allele frequency attached by ClinVar (database versions not stated): TOPMed below 0.00001; gnomAD 0.00001; ExAC 0.00002.

Submission:

Labcorp Genetics (formerly Invitae), Labcorp
Classification: Uncertain significance. Last evaluated: 2022-05-30. Review status: criteria provided, single submitter. Criteria: Invitae Variant Classification Sherloc (09022015). Collection method: clinical testing. Allele origin: germline.
Comment: This sequence change replaces threonine, which is neutral and polar, with serine, which is neutral and polar, at codon 53 of the FLAD1 protein (p.Thr53Ser). This variant is present in population databases (rs768686282, gnomAD 0.003%). This variant has not been reported in the literature in individuals affected with FLAD1-related conditions. Algorithms developed to predict the effect of missense changes on protein structure and function are either unavailable or do not agree on the potential impact of this missense change (SIFT: "Deleterious"; PolyPhen-2: "Benign"; Align-GVGD: "Class C0"). In summary, the available evidence is currently insufficient to determine the role of this variant in disease. Therefore, it has been classified as a Variant of Uncertain Significance.